The following is an entry in ClinVar:

NM_006182.4(DDR2):c.1293+3G>A

Gene: DDR2 (discoidin domain receptor tyrosine kinase 2; plus strand). Cytogenetic location: 1q23.3.
Variant type: single nucleotide variant.
Coding change: c.1293+3G>A on transcript NM_006182.4 (MANE Select); 3 bases into the intron after coding-DNA position 1293, G replaced by A.
Molecular consequence: intron variant.
Genome position (GRCh38, 1-based): chr1:162,767,362, G>A. VCF-style: chr1-162767362-G-A. GRCh37 (hg19) VCF-style: chr1-162737152-G-A.
Other names: c.1293+3G>A (NM_001354983.2, NM_001354982.2, NM_001014796.3).
Identifiers: ClinVar variation 1438096 (VCV001438096.7), dbSNP rs769699223, ClinGen allele CA1217470.

ClinVar aggregate classification (germline): Conflicting classifications of pathogenicity. Review status: criteria provided, conflicting classifications (1 of 4 stars). 2 submissions from 2 submitters: Uncertain significance (1); Likely benign (1). Last evaluated 2024-08-28.

Allele frequency attached by ClinVar (database versions not stated): gnomAD exomes below 0.00001 and 0.00001; TOPMed below 0.00001; ExAC 0.00002.
gnomAD v4.1: 5 of 1,613,822 alleles (0.00031%); highest among the groups gnomAD compares: Non-Finnish European, 0.00042%; no homozygotes.

Submissions (2):

Blueprint Genetics
Classification: Likely benign. Last evaluated: 2024-08-28. Review status: criteria provided, single submitter. Criteria: ACMG Guidelines, 2015. Collection method: clinical testing. Allele origin: germline.

Labcorp Genetics (formerly Invitae), Labcorp
Classification: Uncertain significance. Last evaluated: 2022-07-19. Review status: criteria provided, single submitter. Criteria: Invitae Variant Classification Sherloc (09022015). Collection method: clinical testing. Allele origin: germline.
Comment: In summary, the available evidence is currently insufficient to determine the role of this variant in disease. Therefore, it has been classified as a Variant of Uncertain Significance. Variants that disrupt the consensus splice site are a relatively common cause of aberrant splicing (PMID: 17576681, 9536098). Algorithms developed to predict the effect of sequence changes on RNA splicing suggest that this variant is not likely to affect RNA splicing. ClinVar contains an entry for this variant (Variation ID: 1438096). This variant has not been reported in the literature in individuals affected with DDR2-related conditions. This variant is present in population databases (rs769699223, gnomAD 0.003%). This sequence change falls in intron 11 of the DDR2 gene. It does not directly change the encoded amino acid sequence of the DDR2 protein. It affects a nucleotide within the consensus splice site.

Literature cited by the submitters: PubMed 17576681 (cited by Labcorp Genetics (formerly Invitae), Labcorp); PubMed 9536098 (cited by Labcorp Genetics (formerly Invitae), Labcorp).